The following is an entry in ClinVar:

ClinVar aggregate classification (germline): Uncertain significance (1 of 4 stars; one submission).

Conditions:
Cataract 1 multiple types. Also called: CATARACT, DUFFY-LINKED; CATARACT 1, POSTERIOR SUBCAPSULAR, WITH MICROCORNEA; CATARACT 1, STELLATE NUCLEAR, WITH MICROCORNEA; CATARACT 1, MULTIPLE TYPES, WITH OR WITHOUT MICROCORNEA; CATARACT 1, NUCLEAR PROGRESSIVE; CATARACT 1 WITH MICROCORNEA. Identifiers: Orphanet 1377, MedGen C1861828, MONDO:0007285, OMIM 116200.

Submission:

Dept. Genetics and Cancer, Menzies Institute for Medical Research, University of Tasmania
Classification: Uncertain significance for Cataract 1 multiple types. Last evaluated: 2023-01-21. Review status: criteria provided, single submitter. Criteria: ACMG Guidelines, 2015. Collection method: curation. Allele origin: germline. Affected: yes.
Comment: Variant identified and curated during a GJA8 specific review of the literature in relation to pediatric or congenital cataract. ACMG-AMP criteria applied: PM2(Supporting), PP1, PP3. Original variant report: PMID:23734083. The cataract phenotype reported for this variant is: Total. Gene review and curation guidelines are outlined in: DOI 10.1080/17469899.2023.2160320

Literature cited by the submitters: PubMed 23734083.

NM_005267.5(GJA8):c.586G>A (p.Val196Met)

Gene: GJA8 (gap junction protein alpha 8; plus strand). Cytogenetic location: 1q21.2.
Variant type: single nucleotide variant.
Coding change: c.586G>A on transcript NM_005267.5 (MANE Select); coding-DNA position 586, G replaced by A.
Protein change: p.Val196Met; replaces valine 196 with methionine.
Molecular consequence: missense variant.
Genome position (GRCh38, 1-based): chr1:147,908,541, G>A. VCF-style: chr1-147908541-G-A. GRCh37 (hg19) VCF-style: chr1-147380668-G-A.
Other names: short protein forms V196M.
Identifiers: ClinVar variation 3253666 (VCV003253666.1), dbSNP rs1553242756.